The following is an entry in ClinVar:

NM_002693.3(POLG):c.116A>G (p.Gln39Arg)

Genes: POLG (DNA polymerase gamma, catalytic subunit; minus strand), POLGARF (POLG alternative reading frame; minus strand). Cytogenetic location: 15q26.1.
Variant type: single nucleotide variant.
Coding change: c.116A>G on transcript NM_002693.3 (MANE Select); coding-DNA position 116, A replaced by G.
Protein change: p.Gln39Arg; replaces glutamine 39 with arginine.
Molecular consequence: missense variant.
Genome position (GRCh38, 1-based): chr15:89,333,639, T>C on the plus strand (A>G on the coding strand, the complement: POLG is on the minus strand). VCF-style: chr15-89333639-T-C. GRCh37 (hg19) VCF-style: chr15-89876870-T-C.
Other names: p.Q39R:CAG>CGG; c.116A>G, p.Gln39Arg (NM_001126131.2); short protein forms Q39R.
Identifiers: ClinVar variation 206474 (VCV000206474.45), dbSNP rs749750052, ClinGen allele CA316602.

ClinVar aggregate classification (germline): Conflicting classifications of pathogenicity. Review status: criteria provided, conflicting classifications (1 of 4 stars). 6 submissions from 6 submitters: Uncertain significance (4); Likely benign (2). Last evaluated 2026-07-07.

Conditions:
Progressive sclerosing poliodystrophy (MTDPS4A). Also called: Mitochondrial DNA depletion syndrome 4A (Alpers type); Mitochondrial DNA Depletion Syndrome 4A; ALPERS PROGRESSIVE INFANTILE POLIODYSTROPHY; Alpers-Huttenlocher Syndrome; Alpers Syndrome; ALPERS DIFFUSE DEGENERATION OF CEREBRAL GRAY MATTER WITH HEPATIC CIRRHOSIS. Identifiers: Orphanet 726, MedGen C0205710, MONDO:0008758, OMIM 203700.
POLG-related disorder. Also called: POLG-Related Spectrum Disorders; POLG-related condition; POLG-Related Disorders. Identifiers: MedGen C4763519.

Allele frequency attached by ClinVar (database versions not stated): gnomAD 0.00001 and 0.00002; gnomAD exomes 0.00003 and 0.00004; ExAC 0.00010; 1000 Genomes Project 30x 0.00031.
gnomAD v4.1: 39 of 1,584,782 alleles (0.0025%); highest among the groups gnomAD compares: Non-Finnish European, 0.0028%; no homozygotes.

Submissions (6):

PreventionGenetics, part of Exact Sciences
Classification: Uncertain significance for POLG-related condition. Last evaluated: 2026-07-07. Review status: criteria provided, single submitter. Criteria: ACMG Guidelines, 2015. Collection method: clinical testing. Allele origin: germline.
Comment: The POLG c.116A>G variant is predicted to result in the amino acid substitution p.Gln39Arg. To our knowledge, this variant has not been reported in the literature. This variant is reported in 0.0071% of alleles in individuals of South Asian descent in gnomAD. At this time, the clinical significance of this variant is uncertain due to the absence of conclusive functional and genetic evidence.

Labcorp Genetics (formerly Invitae), Labcorp
Classification: Uncertain significance for Progressive sclerosing poliodystrophy. Last evaluated: 2024-10-07. Review status: criteria provided, single submitter. Criteria: Invitae Variant Classification Sherloc (09022015). Collection method: clinical testing. Allele origin: germline.
Comment: This sequence change replaces glutamine, which is neutral and polar, with arginine, which is basic and polar, at codon 39 of the POLG protein (p.Gln39Arg). The frequency data for this variant in the population databases is considered unreliable, as metrics indicate poor data quality at this position in the gnomAD database. This variant has not been reported in the literature in individuals affected with POLG-related conditions. ClinVar contains an entry for this variant (Variation ID: 206474). Invitae Evidence Modeling of protein sequence and biophysical properties (such as structural, functional, and spatial information, amino acid conservation, physicochemical variation, residue mobility, and thermodynamic stability) indicates that this missense variant is not expected to disrupt POLG protein function with a negative predictive value of 95%. In summary, the available evidence is currently insufficient to determine the role of this variant in disease. Therefore, it has been classified as a Variant of Uncertain Significance.

CeGaT Center for Human Genetics Tuebingen
Classification: Likely benign. Last evaluated: 2022-02-01. Review status: criteria provided, single submitter. Criteria: CeGaT Center For Human Genetics Tuebingen Variant Classification Criteria Version 2. Collection method: clinical testing. Allele origin: germline. Affected: yes. Observed: 1 variant allele.

Revvity Omics, Revvity
Classification: Uncertain significance. Last evaluated: 2021-04-13. Review status: criteria provided, single submitter. Criteria: ACMG Guidelines, 2015. Collection method: clinical testing. Allele origin: germline.

Eurofins Ntd Llc (ga)
Classification: Uncertain significance. Last evaluated: 2017-06-14. Review status: criteria provided, single submitter. Criteria: EGL Classification Definitions 2015. Collection method: clinical testing. Allele origin: germline. Observed: 1 variant allele, 1 heterozygote.

GeneDx
Classification: Likely benign. Last evaluated: 2017-02-15. Review status: criteria provided, single submitter. Criteria: GeneDx Variant Classification (06012015). Collection method: clinical testing. Allele origin: germline. Affected: yes.
Comment: This variant is considered likely benign or benign based on one or more of the following criteria: it is a conservative change, it occurs at a poorly conserved position in the protein, it is predicted to be benign by multiple in silico algorithms, and/or has population frequency not consistent with disease.